The following is an entry in ClinVar:

NM_014283.5(SUCO):c.3118G>C (p.Asp1040His)

Gene: SUCO (SUN domain containing ossification factor; plus strand). Cytogenetic location: 1q24.3.
Variant type: single nucleotide variant.
Coding change: c.3118G>C on transcript NM_014283.5 (MANE Select); coding-DNA position 3118, G replaced by C.
Protein change: p.Asp1040His; replaces aspartic acid 1040 with histidine.
Molecular consequence: missense variant.
Genome position (GRCh38, 1-based): chr1:172,602,163, G>C. VCF-style: chr1-172602163-G-C. GRCh37 (hg19) VCF-style: chr1-172571303-G-C.
Other names: c.2005G>C, p.Asp669His (NM_001282750.2); c.1429G>C, p.Asp477His (NM_001282751.2); c.3571G>C, p.Asp1191His (NM_016227.4); c.3118G>C (NM_014283.3); short protein forms D669H, D1191H, D1040H, D477H.
Identifiers: ClinVar variation 1377844 (VCV001377844.8), dbSNP rs549545393, ClinGen allele CA1247239.

ClinVar aggregate classification (germline): Uncertain significance. Review status: criteria provided, multiple submitters, no conflicts (2 of 4 stars). 3 submissions from 3 submitters: Uncertain significance (3). Last evaluated 2025-10-13.

Allele frequency attached by ClinVar (database versions not stated): ExAC 0.00001; TOPMed 0.00002; 1000 Genomes Project 30x 0.00016; 1000 Genomes Project 0.00020; gnomAD exomes 0.00002; gnomAD 0.00003.

Submissions (3):

Labcorp Genetics (formerly Invitae), Labcorp
Classification: Uncertain significance. Last evaluated: 2025-10-13. Review status: criteria provided, single submitter. Criteria: Invitae Variant Classification Sherloc (09022015). Collection method: clinical testing. Allele origin: germline.
Comment: This sequence change replaces aspartic acid, which is acidic and polar, with histidine, which is basic and polar, at codon 1040 of the SUCO protein (p.Asp1040His). This variant is present in population databases (rs549545393, gnomAD 0.01%). This variant has not been reported in the literature in individuals affected with SUCO-related conditions. ClinVar contains an entry for this variant (Variation ID: 1377844). An algorithm developed to predict the effect of missense changes on protein structure and function (PolyPhen-2) suggests that this variant is likely to be tolerated. In summary, the available evidence is currently insufficient to determine the role of this variant in disease. Therefore, it has been classified as a Variant of Uncertain Significance.

Ambry Genetics
Classification: Uncertain significance. Last evaluated: 2025-08-09. Review status: criteria provided, single submitter. Criteria: Ambry Variant Classification Scheme 2023. Collection method: clinical testing. Allele origin: germline.

Breakthrough Genomics
Classification: Uncertain significance. Review status: criteria provided, single submitter. Criteria: ACMG Guidelines, 2015. Collection method: not provided. Allele origin: germline. Inheritance: Unknown mechanism. Affected: yes.